The following is an entry in ClinVar:

ClinVar aggregate classification (germline): Uncertain significance (1 of 4 stars; one submission).

Allele frequency attached by ClinVar (database versions not stated): gnomAD exomes below 0.00001; TOPMed below 0.00001; ExAC 0.00001; gnomAD 0.00001.
gnomAD v4.1: 2 of 1,511,912 alleles (0.00013%); highest among the groups gnomAD compares: Non-Finnish European, 0.00018%; no homozygotes.

Submission:

Labcorp Genetics (formerly Invitae), Labcorp
Classification: Uncertain significance. Last evaluated: 2025-12-01. Review status: criteria provided, single submitter. Criteria: Invitae Variant Classification Sherloc (09022015). Collection method: clinical testing. Allele origin: germline.
Comment: This sequence change replaces glutamine, which is neutral and polar, with arginine, which is basic and polar, at codon 118 of the CD81 protein (p.Gln118Arg). This variant is not present in population databases (gnomAD no frequency). This variant has not been reported in the literature in individuals affected with CD81-related conditions. ClinVar contains an entry for this variant (Variation ID: 1389148). An algorithm developed to predict the effect of missense changes on protein structure and function (PolyPhen-2) suggests that this variant is likely to be tolerated. In summary, the available evidence is currently insufficient to determine the role of this variant in disease. Therefore, it has been classified as a Variant of Uncertain Significance.

NM_004356.4(CD81):c.353A>G (p.Gln118Arg)

Gene: CD81 (CD81 molecule; plus strand). Cytogenetic location: 11p15.5.
Variant type: single nucleotide variant.
Coding change: c.353A>G on transcript NM_004356.4 (MANE Select); coding-DNA position 353, A replaced by G.
Protein change: p.Gln118Arg; replaces glutamine 118 with arginine.
Molecular consequence: missense variant.
Genome position (GRCh38, 1-based): chr11:2,395,045, A>G. VCF-style: chr11-2395045-A-G. GRCh37 (hg19) VCF-style: chr11-2416275-A-G.
Other names: c.140A>G, p.Gln47Arg (NM_001297649.2); short protein forms Q47R, Q118R.
Identifiers: ClinVar variation 1389148 (VCV001389148.8), dbSNP rs748700088, ClinGen allele CA5819961.